The following is an entry in ClinVar:

ClinVar aggregate classification (germline): Likely pathogenic. Review status: criteria provided, multiple submitters, no conflicts (2 of 4 stars). 2 submissions from 2 submitters: Likely pathogenic (2). Last evaluated 2023-04-26.

Conditions:
ALPK3-related disorder. Also called: ALPK3-related condition.

Submissions (2):

Labcorp Genetics (formerly Invitae), Labcorp
Classification: Likely pathogenic. Last evaluated: 2023-04-26. Review status: criteria provided, single submitter. Criteria: Invitae Variant Classification Sherloc (09022015). Collection method: clinical testing. Allele origin: germline.
Comment: In summary, the currently available evidence indicates that the variant is pathogenic, but additional data are needed to prove that conclusively. Therefore, this variant has been classified as Likely Pathogenic. Algorithms developed to predict the effect of sequence changes on RNA splicing suggest that this variant may disrupt the consensus splice site. This variant has not been reported in the literature in individuals affected with ALPK3-related conditions. This variant is not present in population databases (gnomAD no frequency). This sequence change affects a donor splice site in intron 8 of the ALPK3 gene. It is expected to disrupt RNA splicing. Variants that disrupt the donor or acceptor splice site typically lead to a loss of protein function (PMID: 16199547), and loss-of-function variants in ALPK3 are known to be pathogenic (PMID: 21441111, 26846950, 27106955, 34263907).

Blueprint Genetics
Classification: Likely pathogenic for ALPK3-related disorders. Last evaluated: 2017-10-16. Review status: criteria provided, single submitter. Criteria: ACMG Guidelines, 2015. Collection method: clinical testing. Allele origin: germline. Affected: yes. Observed: 1 variant allele.

Literature cited by the submitters: PubMed 16199547 (cited by Labcorp Genetics (formerly Invitae), Labcorp); PubMed 21441111 (cited by Labcorp Genetics (formerly Invitae), Labcorp); PubMed 26846950 (cited by Labcorp Genetics (formerly Invitae), Labcorp); PubMed 27106955 (cited by Labcorp Genetics (formerly Invitae), Labcorp); PubMed 34263907 (cited by Labcorp Genetics (formerly Invitae), Labcorp).

NM_020778.5(ALPK3):c.4093+1G>A

Gene: ALPK3 (alpha kinase 3; plus strand). Cytogenetic location: 15q25.3.
Variant type: single nucleotide variant.
Coding change: c.4093+1G>A on transcript NM_020778.5 (MANE Select); the canonical splice donor site of the intron after coding-DNA position 4093, G replaced by A.
Molecular consequence: splice donor variant.
Genome position (GRCh38, 1-based): chr15:84,859,904, G>A. VCF-style: chr15-84859904-G-A. GRCh37 (hg19) VCF-style: chr15-85403135-G-A.
Identifiers: ClinVar variation 3000792 (VCV003000792.4), dbSNP rs2505724987, ClinGen allele CA393362113.